The following is an entry in ClinVar:

ClinVar aggregate classification (germline): Benign. Review status: criteria provided, multiple submitters, no conflicts (2 of 4 stars). 6 submissions from 6 submitters: Benign (4). 2 of the submissions do not count toward it. Last evaluated 2026-02-02.

Conditions:
Acyl-CoA oxidase deficiency. Also called: STRAIGHT-CHAIN ACYL-CoA OXIDASE DEFICIENCY; Pseudoneonatal adrenoleukodystrophy; Peroxisomal acyl-CoA oxidase deficiency. Identifiers: Orphanet 2971, MedGen C1849678, MONDO:0009919, OMIM 264470. Disease mechanism: loss of function.

Allele frequency attached by ClinVar (database versions not stated): gnomAD 0.01720; TOPMed 0.02037; ESP Exome Variant Server 0.02191; 1000 Genomes Project 0.02476; 1000 Genomes Project 30x 0.02639.
gnomAD v4.1: 6,312 of 1,614,082 alleles (0.39%); highest among the groups gnomAD compares: African/African-American, 6.5%; 174 homozygotes.

Submissions (6):

Labcorp Genetics (formerly Invitae), Labcorp
Classification: Benign for Acyl-CoA oxidase deficiency. Last evaluated: 2026-02-02. Review status: criteria provided, single submitter. Criteria: Invitae Variant Classification Sherloc (09022015). Collection method: clinical testing. Allele origin: germline.

GeneDx
Classification: Benign. Last evaluated: 2018-12-11. Review status: criteria provided, single submitter. Criteria: GeneDx Variant Classification Process June 2021. Collection method: clinical testing. Allele origin: germline. Affected: yes.

Illumina Laboratory Services, Illumina
Classification: Benign for Acyl-CoA oxidase deficiency. Last evaluated: 2018-01-13. Review status: criteria provided, single submitter. Criteria: ICSL Variant Classification Criteria 13 December 2019. Collection method: clinical testing. Allele origin: germline.
Comment: This variant was observed in the ICSL laboratory as part of a predisposition screen in an ostensibly healthy population. It had not been previously curated by ICSL or reported in the Human Gene Mutation Database (HGMD: prior to June 1st, 2018), and was therefore a candidate for classification through an automated scoring system. Utilizing variant allele frequency, disease prevalence and penetrance estimates, and inheritance mode, an automated score was calculated to assess if this variant is too frequent to cause the disease. Based on the score and internal cut-off values, a variant classified as benign is not then subjected to further curation. The score for this variant resulted in a classification of benign for this disease.

Breakthrough Genomics
Classification: Benign. Review status: criteria provided, single submitter. Criteria: ACMG Guidelines, 2015. Collection method: not provided. Allele origin: germline. Inheritance: Autosomal recessive inheritance. Affected: yes.

Natera, Inc.
Classification: Benign for Peroxisomal acyl CoA oxidase deficiency. Last evaluated: 2020-09-16. Review status: no assertion criteria provided. Collection method: clinical testing. Allele origin: germline. Not counted in ClinVar's aggregate classification.

Mayo Clinic Laboratories, Mayo Clinic
Classification: Benign. Last evaluated: 2015-12-16. Review status: no assertion criteria provided. Collection method: clinical testing. Allele origin: unknown. Not counted in ClinVar's aggregate classification.

NM_004035.7(ACOX1):c.591G>A (p.Gly197=)

Gene: ACOX1 (acyl-CoA oxidase 1; minus strand). Cytogenetic location: 17q25.1.
Variant type: single nucleotide variant.
Coding change: c.591G>A on transcript NM_004035.7 (MANE Select); coding-DNA position 591, G replaced by A.
Protein change: p.Gly197=; no amino-acid change (glycine 197 retained).
Molecular consequence: synonymous variant.
Genome position (GRCh38, 1-based): chr17:75,955,895, C>T on the plus strand (G>A on the coding strand, the complement: ACOX1 is on the minus strand). VCF-style: chr17-75955895-C-T. GRCh37 (hg19) VCF-style: chr17-73951976-C-T.
Other names: c.477G>A, p.Gly159= (NM_001185039.2); c.591G>A, p.Gly197= (NM_007292.6).
Identifiers: ClinVar variation 325389 (VCV000325389.23), dbSNP rs75808808, ClinGen allele CA8776979.